The following is an entry in ClinVar:

ClinVar aggregate classification (germline): Pathogenic/Likely pathogenic. Review status: criteria provided, multiple submitters, no conflicts (2 of 4 stars). 3 submissions from 3 submitters: Pathogenic (2); Likely pathogenic (1). Last evaluated 2025-03-10.

Conditions:
HPS6-related disorder. Also called: HPS6-related condition.
Hermansky-Pudlak syndrome 6 (HPS6). Identifiers: Orphanet 231512, Orphanet 79430, MedGen C3888007, MONDO:0013558, OMIM 614075.

Submissions (3):

PreventionGenetics, part of Exact Sciences
Classification: Pathogenic for HPS6-related condition. Last evaluated: 2025-03-10. Review status: criteria provided, single submitter. Criteria: ACMG Guidelines, 2015. Collection method: clinical testing. Allele origin: germline.
Comment: The HPS6 c.1674delC variant is predicted to result in a frameshift and premature protein termination (p.Pro558Profs*55). To our knowledge, this variant has not been reported in the literature. This variant is reported in 0.012% of alleles in individuals of African descent in gnomAD. Frameshift variants in HPS6 are expected to be pathogenic. This variant is interpreted as pathogenic.

Fulgent Genetics
Classification: Likely pathogenic for Hermansky-Pudlak syndrome 6. Last evaluated: 2024-01-31. Review status: criteria provided, single submitter. Criteria: ACMG Guidelines, 2015. Collection method: clinical testing. Allele origin: germline.

Labcorp Genetics (formerly Invitae), Labcorp
Classification: Pathogenic. Last evaluated: 2023-12-27. Review status: criteria provided, single submitter. Criteria: Invitae Variant Classification Sherloc (09022015). Collection method: clinical testing. Allele origin: germline.
Comment: This sequence change creates a premature translational stop signal (p.Asn559Metfs*54) in the HPS6 gene. While this is not anticipated to result in nonsense mediated decay, it is expected to disrupt the last 217 amino acid(s) of the HPS6 protein. This variant is present in population databases (rs764867254, gnomAD 0.01%). This variant has not been reported in the literature in individuals affected with HPS6-related conditions. This variant disrupts a region of the HPS6 protein in which other variant(s) (p.Arg667*) have been determined to be pathogenic (PMID: 33878481). This suggests that this is a clinically significant region of the protein, and that variants that disrupt it are likely to be disease-causing. For these reasons, this variant has been classified as Pathogenic.

Literature cited by the submitters: PubMed 33878481 (cited by Labcorp Genetics (formerly Invitae), Labcorp).

NM_024747.6(HPS6):c.1674del (p.Asn559fs)

Gene: HPS6 (HPS6 biogenesis of lysosomal organelles complex 2 subunit 3; plus strand). Cytogenetic location: 10q24.32.
Variant type: Deletion.
Coding change: c.1674del on transcript NM_024747.6 (MANE Select); coding-DNA position 1674, one base deleted (C; older notation c.1674delC).
Protein change: p.Asn559fs; shifts the reading frame from asparagine 559.
Molecular consequence: frameshift variant.
Genome position (GRCh38, 1-based): chr10:102,067,148, C deleted; the last of 6 consecutive C bases (chr10:102,067,143-102,067,148); deleting any one gives the same sequence. VCF-style (leftmost placement, unchanged base first): chr10-102067142-AC-A. GRCh37 (hg19) VCF-style: chr10-103826899-AC-A.
Other names: short protein forms N559fs.
Identifiers: ClinVar variation 2958318 (VCV002958318.5), dbSNP rs764867254, ClinGen allele CA5660017.